The following is an entry in ClinVar:

NM_007194.4(CHEK2):c.1605C>G (p.Arg535=)

Gene: CHEK2 (checkpoint kinase 2; minus strand). Cytogenetic location: 22q12.1.
Variant type: single nucleotide variant.
Coding change: c.1605C>G on transcript NM_007194.4 (MANE Select); coding-DNA position 1605, C replaced by G.
Protein change: p.Arg535=; no amino-acid change (arginine 535 retained).
Molecular consequence: synonymous variant.
Genome position (GRCh38, 1-based): chr22:28,687,924, G>C on the plus strand (C>G on the coding strand, the complement: CHEK2 is on the minus strand). VCF-style: chr22-28687924-G-C. GRCh37 (hg19) VCF-style: chr22-29083912-G-C.
Other names: c.1734C>G, p.Arg578= (NM_001005735.3); c.942C>G, p.Arg314= (NM_001257387.3); c.1404C>G, p.Arg468= (NM_001349956.3); c.1518C>G, p.Arg506= (NM_145862.3).
Identifiers: ClinVar variation 3772832 (VCV003772832.1).

ClinVar aggregate classification (germline): Benign (1 of 4 stars; one submission).

Conditions:
Familial cancer of breast. Also called: Hereditary breast cancer; BREAST CANCER, FAMILIAL; hereditary breast carcinoma. Identifiers: Orphanet 227535, MedGen C0346153, MONDO:0016419, OMIM 114480. Disease mechanism: loss of function.

Submission:

Myriad Genetics, Inc.
Classification: Benign for Familial cancer of breast. Last evaluated: 2024-10-09. Review status: criteria provided, single submitter. Criteria: Myriad Autosomal Dominant, Autosomal Recessive and X-Linked Classification Criteria (2023). Collection method: clinical testing. Allele origin: unknown.
Comment: This variant is considered benign. This variant is a silent/synonymous amino acid change and it is not expected to impact splicing.